The following is an entry in ClinVar:

NM_001394531.1(WDFY4):c.6553C>T (p.Arg2185Cys)

Gene: WDFY4 (WDFY family member 4; plus strand). Cytogenetic location: 10q11.23.
Variant type: single nucleotide variant.
Coding change: c.6553C>T on transcript NM_001394531.1 (MANE Select); coding-DNA position 6553, C replaced by T.
Protein change: p.Arg2185Cys; replaces arginine 2185 with cysteine.
Molecular consequence: missense variant.
Genome position (GRCh38, 1-based): chr10:48,832,599, C>T. VCF-style: chr10-48832599-C-T. GRCh37 (hg19) VCF-style: chr10-50040644-C-T.
Other names: c.6553C>T, p.Arg2185Cys (NM_020945.2); short protein forms R2185C.
Identifiers: ClinVar variation 3029964 (VCV003029964.3), dbSNP rs1046291767, ClinGen allele CA206525263.

ClinVar aggregate classification (germline): Uncertain significance. Review status: criteria provided, single submitter (1 of 4 stars). 2 submissions from 2 submitters: Uncertain significance (1). 1 of the submissions does not count toward it. Last evaluated 2025-04-28.

Conditions:
WDFY4-related disorder. Also called: WDFY4-related condition.

Allele frequency attached by ClinVar (database versions not stated): gnomAD 0.00005; gnomAD exomes 0.00003; TOPMed 0.00008.
gnomAD v4.1: 54 of 1,547,790 alleles (0.0035%); highest among the groups gnomAD compares: Admixed American, 0.0079%; no homozygotes.

Submissions (2):

Ambry Genetics
Classification: Uncertain significance. Last evaluated: 2025-04-28. Review status: criteria provided, single submitter. Criteria: Ambry Variant Classification Scheme 2023. Collection method: clinical testing. Allele origin: germline.

PreventionGenetics, part of Exact Sciences
Classification: Uncertain significance for WDFY4-related condition. Last evaluated: 2024-02-02. Review status: no assertion criteria provided. Collection method: clinical testing. Allele origin: germline. Not counted in ClinVar's aggregate classification.
Comment: The WDFY4 c.6553C>T variant is predicted to result in the amino acid substitution p.Arg2185Cys. To our knowledge, this variant has not been reported in the literature. This variant is reported in 0.0085% of alleles in individuals of Latino descent in gnomAD. At this time, the clinical significance of this variant is uncertain due to the absence of conclusive functional and genetic evidence.